The following is an entry in ClinVar:

ClinVar aggregate classification (germline): Uncertain significance (1 of 4 stars; one submission).

Conditions:
Ataxia-telangiectasia syndrome (AT). Also called: Cerebello-oculocutaneous telangiectasia; Immunodeficiency with ataxia telangiectasia; Ataxia-telangiectasia, complementation group D; Ataxia telangiectasia (A-T); ATAXIA-TELANGIECTASIA, COMPLEMENTATION GROUP A; ATAXIA-TELANGIECTASIA, FRESNO VARIANT. Identifiers: Orphanet 100, MedGen C0004135, MONDO:0008840, OMIM 208900.

Submission:

Labcorp Genetics (formerly Invitae), Labcorp
Classification: Uncertain significance for Ataxia-telangiectasia syndrome. Last evaluated: 2022-08-27. Review status: criteria provided, single submitter. Criteria: Invitae Variant Classification Sherloc (09022015). Collection method: clinical testing. Allele origin: germline.
Comment: This sequence change replaces lysine, which is basic and polar, with threonine, which is neutral and polar, at codon 1772 of the ATM protein (p.Lys1772Thr). In summary, the available evidence is currently insufficient to determine the role of this variant in disease. Therefore, it has been classified as a Variant of Uncertain Significance. Advanced modeling of protein sequence and biophysical properties (such as structural, functional, and spatial information, amino acid conservation, physicochemical variation, residue mobility, and thermodynamic stability) performed at Invitae indicates that this missense variant is not expected to disrupt ATM protein function. This variant has not been reported in the literature in individuals affected with ATM-related conditions. This variant is not present in population databases (gnomAD no frequency).

NM_000051.4(ATM):c.5315A>C (p.Lys1772Thr)

Gene: ATM (ATM serine/threonine kinase; plus strand). Cytogenetic location: 11q22.3.
Variant type: single nucleotide variant.
Coding change: c.5315A>C on transcript NM_000051.4 (MANE Select); coding-DNA position 5315, A replaced by C.
Protein change: p.Lys1772Thr; replaces lysine 1772 with threonine.
Molecular consequence: missense variant.
Genome position (GRCh38, 1-based): chr11:108,301,785, A>C. VCF-style: chr11-108301785-A-C. GRCh37 (hg19) VCF-style: chr11-108172512-A-C.
Other names: c.5315A>C, p.Lys1772Thr (NM_001351834.2); short protein forms K1772T.
Identifiers: ClinVar variation 2123122 (VCV002123122.4), dbSNP rs2135915856, ClinGen allele CA382542812.